The following is an entry in ClinVar:

ClinVar aggregate classification (germline): Uncertain significance. Review status: criteria provided, multiple submitters, no conflicts (2 of 4 stars). 2 submissions from 2 submitters: Uncertain significance (2). Last evaluated 2025-04-01.

Conditions:
Inborn genetic diseases. Identifiers: MedGen C0950123, MeSH D030342.

Allele frequency attached by ClinVar (database versions not stated): gnomAD 0.00001; gnomAD exomes 0.00001; TOPMed 0.00001.
gnomAD v4.1: 15 of 1,614,024 alleles (0.00093%); highest among the groups gnomAD compares: Non-Finnish European, 0.0013%; no homozygotes.

Submissions (2):

Ambry Genetics
Classification: Uncertain significance for Inborn genetic diseases. Last evaluated: 2025-04-01. Review status: criteria provided, single submitter. Criteria: Ambry Variant Classification Scheme 2023. Collection method: clinical testing. Allele origin: germline.

Labcorp Genetics (formerly Invitae), Labcorp
Classification: Uncertain significance. Last evaluated: 2022-08-05. Review status: criteria provided, single submitter. Criteria: Invitae Variant Classification Sherloc (09022015). Collection method: clinical testing. Allele origin: germline.
Comment: This sequence change replaces threonine, which is neutral and polar, with isoleucine, which is neutral and non-polar, at codon 797 of the FNIP1 protein (p.Thr797Ile). This variant is present in population databases (no rsID available, gnomAD 0.0009%). This variant has not been reported in the literature in individuals affected with FNIP1-related conditions. Algorithms developed to predict the effect of missense changes on protein structure and function (SIFT, PolyPhen-2, Align-GVGD) all suggest that this variant is likely to be tolerated. In summary, the available evidence is currently insufficient to determine the role of this variant in disease. Therefore, it has been classified as a Variant of Uncertain Significance.

NM_133372.3(FNIP1):c.2390C>T (p.Thr797Ile)

Gene: FNIP1 (folliculin interacting protein 1; minus strand). Cytogenetic location: 5q31.1.
Variant type: single nucleotide variant.
Coding change: c.2390C>T on transcript NM_133372.3 (MANE Select); coding-DNA position 2390, C replaced by T.
Protein change: p.Thr797Ile; replaces threonine 797 with isoleucine.
Molecular consequence: missense variant.
Genome position (GRCh38, 1-based): chr5:131,672,054, G>A on the plus strand (C>T on the coding strand, the complement: FNIP1 is on the minus strand). VCF-style: chr5-131672054-G-A. GRCh37 (hg19) VCF-style: chr5-131007747-G-A.
Other names: c.2306C>T, p.Thr769Ile (NM_001008738.3); c.2255C>T, p.Thr752Ile (NM_001346114.2); c.2390C>T (NM_133372.2); short protein forms T797I, T752I, T769I.
Identifiers: ClinVar variation 1901818 (VCV001901818.3), dbSNP rs1352139705, ClinGen allele CA360790129.